The following is an entry in ClinVar:

NM_144997.7(FLCN):c.1176+9A>G

Gene: FLCN (folliculin; minus strand). Cytogenetic location: 17p11.2.
Variant type: single nucleotide variant.
Coding change: c.1176+9A>G on transcript NM_144997.7 (MANE Select); 9 bases into the intron after coding-DNA position 1176, A replaced by G.
Molecular consequence: intron variant.
Genome position (GRCh38, 1-based): chr17:17,217,060, T>C on the plus strand (A>G on the coding strand, the complement: FLCN is on the minus strand). VCF-style: chr17-17217060-T-C. GRCh37 (hg19) VCF-style: chr17-17120374-T-C.
Other names: c.1176+9A>G (NM_001353231.2, NM_001353230.2); c.1230+9A>G (NM_001353229.2).
Identifiers: ClinVar variation 698564 (VCV000698564.11), dbSNP rs1210541380, ClinGen allele CA625014981.

ClinVar aggregate classification (germline): Likely benign. Review status: criteria provided, multiple submitters, no conflicts (2 of 4 stars). 2 submissions from 2 submitters: Likely benign (2). Last evaluated 2025-12-14.

Conditions:
Birt-Hogg-Dube syndrome. Also called: Birt Hogg Dubé syndrome. Identifiers: Orphanet 122, MedGen C0346010, MONDO:0800444.
Birt-Hogg-Dube syndrome 1 (BHD1). Also called: FIBROFOLLICULOMAS WITH TRICHODISCOMAS AND ACROCHORDONS. Identifiers: Orphanet 122, MedGen CN375946, MONDO:0800445, OMIM 135150.

Allele frequency attached by ClinVar (database versions not stated): gnomAD 0.00001; gnomAD exomes 0.00002.
gnomAD v4.1: 23 of 1,592,994 alleles (0.0014%); highest among the groups gnomAD compares: East Asian, 0.0022%; no homozygotes.

Submissions (2):

Labcorp Genetics (formerly Invitae), Labcorp
Classification: Likely benign for Birt-Hogg-Dube syndrome. Last evaluated: 2025-12-14. Review status: criteria provided, single submitter. Criteria: Invitae Variant Classification Sherloc (09022015). Collection method: clinical testing. Allele origin: germline.

Myriad Genetics, Inc.
Classification: Likely benign for Birt-Hogg-Dube syndrome 1. Last evaluated: 2024-10-24. Review status: criteria provided, single submitter. Criteria: Myriad Autosomal Dominant, Autosomal Recessive and X-Linked Classification Criteria (2023). Collection method: clinical testing. Allele origin: unknown.
Comment: This variant is considered likely benign. This variant is intronic and is not expected to impact mRNA splicing.